The following is an entry in ClinVar:

NM_000493.4(COL10A1):c.1453dup (p.Leu485fs)

Genes: COL10A1 (collagen type X alpha 1 chain; minus strand), NT5DC1 (5'-nucleotidase domain containing 1; plus strand). Cytogenetic location: 6q22.1.
Variant type: Duplication.
Coding change: c.1453dup on transcript NM_000493.4 (MANE Select); coding-DNA position 1453, one base duplicated (C; older notation c.1453dupC).
Protein change: p.Leu485fs; shifts the reading frame from leucine 485.
Molecular consequence: frameshift variant. On other transcripts: intron variant (1).
Genome position (GRCh38, 1-based): chr6:116,120,663, G duplicated on the plus strand (C on the coding strand, the reverse complement: COL10A1 is on the minus strand); the first of 2 consecutive G bases (chr6:116,120,663-116,120,664); duplicating either gives the same sequence. VCF-style (leftmost placement, unchanged base first): chr6-116120662-A-AG. GRCh37 (hg19) VCF-style: chr6-116441825-A-AG.
Other names: c.1453dup, p.Leu485fs (NM_001424106.1, NM_001424107.1); c.529+2719dup (NM_152729.3); short protein forms L485fs.
Identifiers: ClinVar variation 1723294 (VCV001723294.1), dbSNP rs2534086311, ClinGen allele CA2580074804.
Genomic context (GRCh38, chr6:116,120,662, plus strand): 5'-CCAGGCTCTCCAGAGTGGCCTCTTGGACCTGGAGGCCCTGGTGGCCCGGTGGGTCCATTG[A>AG]GGCCCTTAGTTGCTATGCCAGCTGGGCCAGGAGGACCGGGACTTCCTGGATCCCCTTTAG-3'

ClinVar aggregate classification (germline): Uncertain significance (1 of 4 stars; one submission).

Submission:

Women's Health and Genetics/Laboratory Corporation of America, LabCorp
Classification: Uncertain significance. Last evaluated: 2022-10-12. Review status: criteria provided, single submitter. Criteria: LabCorp Variant Classification Summary - May 2015. Collection method: clinical testing. Allele origin: germline.
Comment: Variant summary: COL10A1 c.1453dupC (p.Leu485ProfsX39) results in a premature termination codon. Althought not expected to cause nonsense mediated decay, the variant is predicted to disrupt the last 195 amino acids in the native protein sequence. Since Gain-of-Function is the typical molecular mechanism of disease (MIM #156500), the impact of this premature termination is difficult to predict. The variant was absent in 187198 control chromosomes (gnomAD). The available data on variant occurrences in the general population are insufficient to allow any conclusion about variant significance. To our knowledge, no occurrence of c.1453dupC in individuals affected with Metaphyseal Chondrodysplasia, Schmid Type and no experimental evidence demonstrating its impact on protein function have been reported. No clinical diagnostic laboratories have submitted clinical-significance assessments for this variant to ClinVar after 2014. Based on the evidence outlined above, the variant was classified as uncertain significance.